The following is an entry in ClinVar:

NM_020320.5(RARS2):c.1252_1253del (p.Lys418fs)

Gene: RARS2 (arginyl-tRNA synthetase 2, mitochondrial; minus strand). Cytogenetic location: 6q15.
Variant type: Deletion.
Coding change: c.1252_1253del on transcript NM_020320.5 (MANE Select); coding-DNA positions 1252 to 1253, 2 bases deleted (AA; older notation c.1252_1253delAA).
Protein change: p.Lys418fs; shifts the reading frame from lysine 418.
Molecular consequence: frameshift variant. On other transcripts: non-coding transcript variant (23).
Genome position (GRCh38, 1-based): chr6:87,518,876-87,518,877, TT deleted on the plus strand (AA on the coding strand, the reverse complement: RARS2 is on the minus strand). VCF-style (leftmost placement, unchanged base first): chr6-87518875-CTT-C. GRCh37 (hg19) VCF-style: chr6-88228593-CTT-C.
Other names: c.727_728del, p.Lys243fs (NM_001318785.2, NM_001350506.2, NM_001350507.2 and 4 more transcripts); c.1252_1253del, p.Lys418fs (NM_001350505.2); short protein forms K243fs, K418fs.
Identifiers: ClinVar variation 4060751 (VCV004060751.2).

ClinVar aggregate classification (germline): Likely pathogenic (1 of 4 stars; one submission).

Conditions:
Pontocerebellar hypoplasia type 6 (PCH6). Identifiers: Orphanet 166073, MedGen C1969084, MONDO:0012683, OMIM 611523.

Submission:

Natera, Inc.
Classification: Likely pathogenic for Pontocerebellar hypoplasia, type 6. Last evaluated: 2025-03-28. Review status: criteria provided, single submitter. Criteria: Natera Variant Classification Schema (03/2026). Collection method: clinical testing. Allele origin: germline.
Comment: The c.1252_1253del variant in RARS2 is a frameshift variant predicted to shift the reading frame beginning at codon 418 and leads to a stop codon 26 codons downstream. This variant is expected to result in nonsense mediated decay, truncation, or a dysfunctional protein product. This variant is rare in the general population with a frequency below the threshold expected for the associated phenotype(s). Given the available evidence, this variant is classified as Likely Pathogenic.